The following is an entry in ClinVar:

ClinVar aggregate classification (germline): Conflicting classifications of pathogenicity. Review status: criteria provided, conflicting classifications (1 of 4 stars). 6 submissions from 5 submitters: Uncertain significance (5); Likely benign (1). Last evaluated 2026-09-12.

Conditions:
Fibrochondrogenesis 2 (FBCG2). Identifiers: Orphanet 2021, MedGen C3281128, MONDO:0013795, OMIM 614524.
Otospondylomegaepiphyseal dysplasia, autosomal recessive (OSMEDB). Also called: CHONDRODYSTROPHY WITH SENSORINEURAL DEAFNESS; Insley-Astley syndrome. Identifiers: Orphanet 1427, MedGen CN034493, MONDO:0044206, OMIM 215150.

Allele frequency attached by ClinVar (database versions not stated): gnomAD 0.00006 and 0.00007; gnomAD exomes 0.00007 and 0.00003; TOPMed 0.00007; ExAC 0.00008; 1000 Genomes Project 0.00020; 1000 Genomes Project 30x 0.00031.
gnomAD v4.1: 54 of 1,612,830 alleles (0.0033%); highest among the groups gnomAD compares: South Asian, 0.023%; no homozygotes.

Submissions (6):

GeneDx
Classification: Uncertain significance. Last evaluated: 2026-09-12. Review status: criteria provided, single submitter. Criteria: GeneDx Variant Classification Process June 2021. Collection method: clinical testing. Allele origin: germline.
Comment: In silico analysis suggests that this missense variant does not alter protein structure/function; Has not been previously published as pathogenic or benign to our knowledge

Labcorp Genetics (formerly Invitae), Labcorp
Classification: Likely benign. Last evaluated: 2025-12-15. Review status: criteria provided, single submitter. Criteria: Invitae Variant Classification Sherloc (09022015). Collection method: clinical testing. Allele origin: germline.

Blueprint Genetics
Classification: Uncertain significance. Last evaluated: 2023-11-20. Review status: criteria provided, single submitter. Criteria: ACMG Guidelines, 2015. Collection method: clinical testing. Allele origin: germline.

Illumina Laboratory Services, Illumina
Classification: Uncertain significance for Otospondylomegaepiphyseal dysplasia, autosomal recessive. Last evaluated: 2018-01-12. Review status: criteria provided, single submitter. Criteria: ICSL Variant Classification Criteria 13 December 2019. Collection method: clinical testing. Allele origin: germline.

Illumina Laboratory Services, Illumina
Classification: Uncertain significance for Fibrochondrogenesis 2. Last evaluated: 2018-01-12. Review status: criteria provided, single submitter. Criteria: ICSL Variant Classification Criteria 13 December 2019. Collection method: clinical testing. Allele origin: germline.

Eurofins Ntd Llc (ga)
Classification: Uncertain significance. Last evaluated: 2017-04-13. Review status: criteria provided, single submitter. Criteria: EGL Classification Definitions 2015. Collection method: clinical testing. Allele origin: germline. Observed: 1 variant allele, 1 heterozygote.

NM_080680.3(COL11A2):c.3092C>T (p.Pro1031Leu)

Gene: COL11A2 (collagen type XI alpha 2 chain; minus strand). Cytogenetic location: 6p21.32.
Variant type: single nucleotide variant.
Coding change: c.3092C>T on transcript NM_080680.3 (MANE Select); coding-DNA position 3092, C replaced by T.
Protein change: p.Pro1031Leu; replaces proline 1031 with leucine.
Molecular consequence: missense variant.
Genome position (GRCh38, 1-based): chr6:33,171,771, G>A on the plus strand (C>T on the coding strand, the complement: COL11A2 is on the minus strand). VCF-style: chr6-33171771-G-A. GRCh37 (hg19) VCF-style: chr6-33139548-G-A.
Other names: c.2771C>T, p.Pro924Leu (NM_080679.3); c.2834C>T, p.Pro945Leu (NM_080681.3); short protein forms P1031L, P945L, P924L.
Identifiers: ClinVar variation 356395 (VCV000356395.19), dbSNP rs528009333, ClinGen allele CA3750643.